The following is an entry in ClinVar:

NM_000051.4(ATM):c.7463G>A (p.Cys2488Tyr)

Genes: ATM (ATM serine/threonine kinase; plus strand), C11orf65 (chromosome 11 open reading frame 65; minus strand). Cytogenetic location: 11q22.3.
Variant type: single nucleotide variant.
Coding change: c.7463G>A on transcript NM_000051.4 (MANE Select); coding-DNA position 7463, G replaced by A.
Protein change: p.Cys2488Tyr; replaces cysteine 2488 with tyrosine.
Molecular consequence: missense variant. On other transcripts: intron variant (2).
Genome position (GRCh38, 1-based): chr11:108,330,369, G>A. VCF-style: chr11-108330369-G-A. GRCh37 (hg19) VCF-style: chr11-108201096-G-A.
Other names: c.7463G>A, p.Cys2488Tyr (NM_001351834.2); c.641-21298C>T (NM_001330368.2); c.*38+4851C>T (NM_001351110.2); short protein forms C2488Y.
Identifiers: ClinVar variation 187037 (VCV000187037.109), dbSNP rs774281788, ClinGen allele CA196568.

ClinVar aggregate classification (germline): Conflicting classifications of pathogenicity. Review status: criteria provided, conflicting classifications (1 of 4 stars). 15 submissions from 15 submitters: Pathogenic (1); Likely pathogenic (1); Uncertain significance (13). Last evaluated 2026-06-01.

Conditions:
Ataxia-telangiectasia syndrome (AT). Also called: ATAXIA-TELANGIECTASIA, COMPLEMENTATION GROUP A; ATAXIA-TELANGIECTASIA, FRESNO VARIANT; Ataxia-telangiectasia; Ataxia-telangiectasia, complementation group E; Cerebello-oculocutaneous telangiectasia; Immunodeficiency with ataxia telangiectasia. Identifiers: Orphanet 100, MedGen C0004135, MONDO:0008840, OMIM 208900.
Hereditary cancer. Identifiers: MedGen C1333600.
Malignant tumor of breast. Also called: Malignant breast neoplasm; Cancer breast. Identifiers: MedGen C0006142, MONDO:0007254. Disease mechanism: loss of function.
Familial colorectal cancer type X. Identifiers: Orphanet 440437, MedGen C3896578, MONDO:0018604.
Familial cancer of breast. Also called: hereditary breast carcinoma; BREAST CANCER, FAMILIAL; Hereditary breast cancer. Identifiers: Orphanet 227535, MedGen C0346153, MONDO:0016419, OMIM 114480. Disease mechanism: loss of function.
Hereditary cancer-predisposing syndrome. Also called: Hereditary Cancer Syndrome; Tumor predisposition; Neoplastic Syndromes, Hereditary; Hereditary neoplastic syndrome. Identifiers: Orphanet 140162, MedGen C0027672, MeSH D009386, MONDO:0015356.
Hereditary breast ovarian cancer syndrome. Also called: Hereditary breast and ovarian cancer syndrome; Hereditary breast and ovarian cancer syndrome (HBOC); Hereditary breast and ovarian cancer; Hereditary breast and/or ovarian cancer syndrome; BRCA1- and BRCA2-Associated Hereditary Breast and Ovarian Cancer; Breast and ovarian cancer. Identifiers: Orphanet 145, MedGen C0677776, MeSH D061325, MONDO:0003582. Disease mechanism: loss of function.

Allele frequency attached by ClinVar (database versions not stated): ExAC 0.00002; gnomAD exomes 0.00001.
gnomAD v4.1: 6 of 1,614,156 alleles (0.00037%); highest among the groups gnomAD compares: Non-Finnish European, 0.00042%; no homozygotes.

Submissions 1 to 10 of 15:

CeGaT Center for Human Genetics Tuebingen
Classification: Likely pathogenic. Last evaluated: 2026-06-01. Review status: criteria provided, single submitter. Criteria: CeGaT Center For Human Genetics Tuebingen Variant Classification Criteria Version 2. Collection method: clinical testing. Allele origin: germline. Affected: yes. Observed: 3 variant alleles.
Comment: ATM: PM1, PM2, PS4:Moderate, PS3:Supporting

Labcorp Genetics (formerly Invitae), Labcorp
Classification: Uncertain significance for Ataxia-telangiectasia syndrome. Last evaluated: 2026-01-19. Review status: criteria provided, single submitter. Criteria: Invitae Variant Classification Sherloc (09022015). Collection method: clinical testing. Allele origin: germline.
Comment: This sequence change replaces cysteine, which is neutral and slightly polar, with tyrosine, which is neutral and polar, at codon 2488 of the ATM protein (p.Cys2488Tyr). This variant is present in population databases (rs774281788, gnomAD 0.002%). This missense change has been observed in individual(s) with breast cancer, ovarian cancer, pancreatic cancer, and chronic lymphocytic leukemia (PMID: 23585524, 26681312, 29922827, 30128536, 38673061). ClinVar contains an entry for this variant (Variation ID: 187037). Invitae Evidence Modeling of protein sequence and biophysical properties (such as structural, functional, and spatial information, amino acid conservation, physicochemical variation, residue mobility, and thermodynamic stability) has been performed for this missense variant. However, the output from this modeling did not meet the statistical confidence thresholds required to predict the impact of this variant on ATM protein function. Experimental studies are conflicting or provide insufficient evidence to determine the effect of this variant on ATM function (PMID: 23585524). In summary, the available evidence is currently insufficient to determine the role of this variant in disease. Therefore, it has been classified as a Variant of Uncertain Significance.

Institute of Immunology and Genetics Kaiserslautern
Classification: Uncertain significance for Familial cancer of breast. Last evaluated: 2025-07-14. Review status: criteria provided, single submitter. Criteria: ACMG Guidelines, 2015. Collection method: clinical testing. Allele origin: germline. Affected: yes.
Comment: ACMG Criteria: PS3_M, PM2_P, PP3, PP5; Variant was found in heterozygous state and detected together with APC(NM_000038.6):c.8207C>T.

Quest Diagnostics Nichols Institute San Juan Capistrano
Classification: Uncertain significance. Last evaluated: 2025-07-01. Review status: criteria provided, single submitter. Criteria: Quest Diagnostics criteria. Collection method: clinical testing. Allele origin: unknown.

Color Diagnostics, LLC DBA Color Health
Classification: Uncertain significance for Hereditary cancer-predisposing syndrome. Last evaluated: 2024-09-04. Review status: criteria provided, single submitter. Criteria: ACMG Guidelines, 2015. Collection method: clinical testing. Allele origin: germline.
Comment: This missense variant replaces cysteine with tyrosine at codon 2488 of the ATM protein. Computational prediction suggests that this variant may have deleterious impact on protein structure and function. Experimental studies have indicated this protein variant may have an impact on ATM function (PMID: 23585524, 22071889, 36029002). This protein variant has been reported in individuals affected with breast cancer (PMID: 12810666, 19781682, 26822949, 33471991, 38673061), chronic lymphocytic leukemia (CLL; PMID: 23585524, 25480502, 26247737, 36029002, 36315919), and gastric cancer (PMID: 36627197). This variant has been identified in 2/251290 chromosomes in the general population by the Genome Aggregation Database (gnomAD). The available evidence is insufficient to determine the role of this variant in disease conclusively. Therefore, this variant is classified as a Variant of Uncertain Significance.

GeneDx
Classification: Uncertain significance. Last evaluated: 2024-05-20. Review status: criteria provided, single submitter. Criteria: GeneDx Variant Classification Process June 2021. Collection method: clinical testing. Allele origin: germline. Affected: yes.
Comment: Observed in individuals with a personal history of chronic lymphocytic leukemia, pancreatic, breast and/or ovarian cancer (PMID: 12810666, 19781682, 23585524, 29522266, 29922827); Published functional studies are inconclusive: no effect on protein levels but results in impaired protein function (PMID: 23585524); Not observed at significant frequency in large population cohorts (gnomAD); In silico analysis supports that this missense variant has a deleterious effect on protein structure/function; This variant is associated with the following publications: (PMID: 26681312, 27479817, 12810666, 19781682, 25480502, 29922827, 30128536, 26822949, 26247737, 22071889, 36029002, 32183364, 29522266, 31054420, 23532176, 23585524)

Ambry Genetics
Classification: Uncertain significance for Hereditary cancer-predisposing syndrome. Last evaluated: 2024-05-07. Review status: criteria provided, single submitter. Criteria: Ambry Variant Classification Scheme 2023. Collection method: clinical testing. Allele origin: germline.
Comment: The p.C2488Y variant (also known as c.7463G>A), located in coding exon 49 of the ATM gene, results from a G to A substitution at nucleotide position 7463. The cysteine at codon is replaced by tyrosine, an amino acid with highly dissimilar properties. This alteration has been reported in the literature in the germline of a CLL patient; functional assessment of this alteration revealed a normal level of ATM protein, but the protein was reported as defective (Navrkalova V et al, Haematologica 2013 Jul; 98(7):1124-31). This alteration was detected in 2/5589 German BRCA1/2-negative probands with breast cancer (Hauke J et al. Cancer Med, 2018 04;7:1349-1358). A different nucleotide change resulting in the same amino acid change, p.C2488Y (c.7463G>T), has also been reported in 1/4112 breast cancer patients and 0/2399 healthy control individuals across numerous studies (Tavtigian S et al. Am J Hum Genet. 2009 Oct;85(4):427-46). This amino acid position is highly conserved through mammals, but poorly conserved in reptiles and fish. In addition, the in silico prediction for this alteration is inconclusive. Since supporting evidence is limited at this time, the clinical significance of this alteration remains unclear.

Blueprint Genetics
Classification: Uncertain significance. Last evaluated: 2024-04-29. Review status: criteria provided, single submitter. Criteria: ACMG Guidelines, 2015. Collection method: clinical testing. Allele origin: germline.

German Consortium for Hereditary Breast and Ovarian Cancer, University Hospital Cologne
Classification: Uncertain significance for Hereditary breast ovarian cancer syndrome. Last evaluated: 2024-04-09. Review status: criteria provided, single submitter. Criteria: ClinGen ATM V1.1.0. Collection method: curation. Allele origin: germline.
Comment: According to the ClinGen ACMG ATM v1.1.0 criteria we chose this criterion: PP3 (supporting pathogenic): REVEL 0.883

Fulgent Genetics
Classification: Uncertain significance for Familial cancer of breast; Ataxia-telangiectasia syndrome. Last evaluated: 2024-02-08. Review status: criteria provided, single submitter. Criteria: ACMG Guidelines, 2015. Collection method: clinical testing. Allele origin: germline.